The following is an entry in ClinVar:

ClinVar aggregate classification (germline): Uncertain significance. Review status: criteria provided, multiple submitters, no conflicts (2 of 4 stars). 4 submissions from 4 submitters: Uncertain significance (4). Last evaluated 2025-07-01.

Conditions:
Inborn genetic diseases. Identifiers: MedGen C0950123, MeSH D030342.
Familial sleep-related hypermotor epilepsy. Also called: Autosomal Dominant Sleep-Related Hypermotor (Hyperkinetic) Epilepsy. Identifiers: Orphanet 98784, MedGen C3696898, MONDO:0000030.

Allele frequency attached by ClinVar (database versions not stated): gnomAD 0.00001; gnomAD exomes 0.00001 and 0.00002; TOPMed 0.00002; ExAC 0.00003.

Submissions (4):

CeGaT Center for Human Genetics Tuebingen
Classification: Uncertain significance. Last evaluated: 2025-07-01. Review status: criteria provided, single submitter. Criteria: CeGaT Center For Human Genetics Tuebingen Variant Classification Criteria Version 2. Collection method: clinical testing. Allele origin: germline. Affected: yes. Observed: 1 variant allele.

Labcorp Genetics (formerly Invitae), Labcorp
Classification: Uncertain significance. Last evaluated: 2024-11-25. Review status: criteria provided, single submitter. Criteria: Invitae Variant Classification Sherloc (09022015). Collection method: clinical testing. Allele origin: germline.
Comment: This sequence change replaces valine, which is neutral and non-polar, with isoleucine, which is neutral and non-polar, at codon 454 of the CHRNB2 protein (p.Val454Ile). This variant is present in population databases (rs765202298, gnomAD 0.004%). This variant has not been reported in the literature in individuals affected with CHRNB2-related conditions. ClinVar contains an entry for this variant (Variation ID: 1301286). Invitae Evidence Modeling of protein sequence and biophysical properties (such as structural, functional, and spatial information, amino acid conservation, physicochemical variation, residue mobility, and thermodynamic stability) indicates that this missense variant is not expected to disrupt CHRNB2 protein function with a negative predictive value of 80%. In summary, the available evidence is currently insufficient to determine the role of this variant in disease. Therefore, it has been classified as a Variant of Uncertain Significance.

GeneDx
Classification: Uncertain significance. Last evaluated: 2024-06-09. Review status: criteria provided, single submitter. Criteria: GeneDx Variant Classification Process June 2021. Collection method: clinical testing. Allele origin: germline. Affected: yes.
Comment: Has not been previously published as pathogenic or benign to our knowledge; In silico analysis indicates that this missense variant does not alter protein structure/function; Not observed at significant frequency in large population cohorts (gnomAD)

Ambry Genetics
Classification: Uncertain significance for Inborn genetic diseases. Last evaluated: 2023-10-28. Review status: criteria provided, single submitter. Criteria: Ambry Variant Classification Scheme 2023. Collection method: clinical testing. Allele origin: germline.

NM_000748.3(CHRNB2):c.1360G>A (p.Val454Ile)

Gene: CHRNB2 (cholinergic receptor nicotinic beta 2 subunit; plus strand). Cytogenetic location: 1q21.3.
Variant type: single nucleotide variant.
Coding change: c.1360G>A on transcript NM_000748.3 (MANE Select); coding-DNA position 1360, G replaced by A.
Protein change: p.Val454Ile; replaces valine 454 with isoleucine.
Molecular consequence: missense variant.
Genome position (GRCh38, 1-based): chr1:154,575,783, G>A. VCF-style: chr1-154575783-G-A. GRCh37 (hg19) VCF-style: chr1-154548259-G-A.
Other names: short protein forms V454I.
Identifiers: ClinVar variation 1301286 (VCV001301286.19), dbSNP rs765202298, ClinGen allele CA1130863.
Genomic context (GRCh38, chr1:154,575,783, plus strand): 5'-CATCATGTGACCTGGGCCTCCTCCGTCTCCTCCATCCAGGTGAGTGAGGACTGGAAGTAC[G>A]TCGCCATGGTGATCGACCGCCTCTTCCTCTGGATCTTTGTCTTTGTCTGTGTCTTTGGCA-3'
Protein context (NP_000739.1, residues 444-464): DQSVSEDWKY[Val454Ile]AMVIDRLFLW